The following is an entry in ClinVar:

NM_001367624.2(ZNF469):c.2686A>G (p.Lys896Glu)

Gene: ZNF469 (zinc finger protein 469; plus strand). Cytogenetic location: 16q24.2.
Variant type: single nucleotide variant.
Coding change: c.2686A>G on transcript NM_001367624.2 (MANE Select); coding-DNA position 2686, A replaced by G.
Protein change: p.Lys896Glu; replaces lysine 896 with glutamic acid.
Molecular consequence: missense variant.
Genome position (GRCh38, 1-based): chr16:88,430,156, A>G. VCF-style: chr16-88430156-A-G. GRCh37 (hg19) VCF-style: chr16-88496564-A-G.
Other names: NM_001127464.1:c.2686A>G; short protein forms K896E.
Identifiers: ClinVar variation 3476276 (VCV003476276.1).

ClinVar aggregate classification (germline): Uncertain significance (1 of 4 stars; one submission).

Conditions:
Cardiovascular phenotype. Identifiers: MedGen CN230736.

gnomAD v4.1: 2 of 1,549,788 alleles (0.00013%); highest among the groups gnomAD compares: Non-Finnish European, 0.00017%; no homozygotes.

Submission:

Ambry Genetics
Classification: Uncertain significance for Cardiovascular phenotype. Last evaluated: 2024-11-13. Review status: criteria provided, single submitter. Criteria: Ambry Variant Classification Scheme 2023. Collection method: clinical testing. Allele origin: germline.
Comment: The p.K896E variant (also known as c.2686A>G), located in coding exon 1 of the ZNF469 gene, results from an A to G substitution at nucleotide position 2686. The lysine at codon 896 is replaced by glutamic acid, an amino acid with similar properties. This amino acid position is conserved. In addition, this alteration is predicted to be tolerated by in silico analysis. Based on the available evidence, the clinical significance of this variant remains unclear.